The following is an entry in ClinVar:

ClinVar aggregate classification (germline): Likely benign. Review status: criteria provided, single submitter (1 of 4 stars). 2 submissions from 2 submitters: Likely benign (1). 1 of the submissions does not count toward it. Last evaluated 2026-01-27.

Conditions:
FECH-related disorder. Also called: FECH-related condition.

Allele frequency attached by ClinVar (database versions not stated): gnomAD exomes 0.00005 and 0.00014; 1000 Genomes Project 30x 0.00016; ExAC 0.00017; 1000 Genomes Project 0.00020; gnomAD 0.00052 and 0.00058; TOPMed 0.00055; ESP Exome Variant Server 0.00092.
gnomAD v4.1: 167 of 1,613,750 alleles (0.01%); highest among the groups gnomAD compares: African/African-American, 0.13%; no homozygotes.

Submissions (2):

Labcorp Genetics (formerly Invitae), Labcorp
Classification: Likely benign. Last evaluated: 2026-01-27. Review status: criteria provided, single submitter. Criteria: Invitae Variant Classification Sherloc (09022015). Collection method: clinical testing. Allele origin: germline.

PreventionGenetics, part of Exact Sciences
Classification: Likely benign for FECH-related condition. Last evaluated: 2019-04-12. Review status: no assertion criteria provided. Collection method: clinical testing. Allele origin: germline. Not counted in ClinVar's aggregate classification.
Comment: This variant is classified as likely benign based on ACMG/AMP sequence variant interpretation guidelines (Richards et al. 2015 PMID: 25741868, with internal and published modifications).

NM_000140.5(FECH):c.1146C>T (p.Ala382=)

Gene: FECH (ferrochelatase; minus strand). Cytogenetic location: 18q21.31.
Variant type: single nucleotide variant.
Coding change: c.1146C>T on transcript NM_000140.5 (MANE Select); coding-DNA position 1146, C replaced by T.
Protein change: p.Ala382=; no amino-acid change (alanine 382 retained).
Molecular consequence: synonymous variant.
Genome position (GRCh38, 1-based): chr18:57,550,838, G>A on the plus strand (C>T on the coding strand, the complement: FECH is on the minus strand). VCF-style: chr18-57550838-G-A. GRCh37 (hg19) VCF-style: chr18-55218070-G-A.
Other names: c.1164C>T, p.Ala388= (NM_001012515.4); c.1047C>T, p.Ala349= (NM_001371094.1); c.930C>T, p.Ala310= (NM_001371095.1); c.1086C>T, p.Ala362= (NM_001374778.1); c.1146C>T (NM_000140.3).
Identifiers: ClinVar variation 1561579 (VCV001561579.10), dbSNP rs146918011, ClinGen allele CA8972962.